The following is an entry in ClinVar:

ClinVar aggregate classification (germline): Uncertain significance (1 of 4 stars; one submission).

Conditions:
Hereditary cancer-predisposing syndrome. Also called: Neoplastic Syndromes, Hereditary; Tumor predisposition; Hereditary neoplastic syndrome; Hereditary Cancer Syndrome. Identifiers: Orphanet 140162, MedGen C0027672, MeSH D009386, MONDO:0015356.

Submission:

Ambry Genetics
Classification: Uncertain significance for Hereditary cancer-predisposing syndrome. Last evaluated: 2025-05-09. Review status: criteria provided, single submitter. Criteria: Ambry Variant Classification Scheme 2023. Collection method: clinical testing. Allele origin: germline.
Comment: The p.L1215P variant (also known as c.3644T>C), located in coding exon 24 of the RAD50 gene, results from a T to C substitution at nucleotide position 3644. The leucine at codon 1215 is replaced by proline, an amino acid with similar properties. This amino acid position is highly conserved in available vertebrate species. In addition, this alteration is predicted to be deleterious by in silico analysis. Since supporting evidence is limited at this time, the clinical significance of this alteration remains unclear.

NM_005732.4(RAD50):c.3644T>C (p.Leu1215Pro)

Genes: TH2-LCR (Th2 cytokine locus control region; plus strand), TH2LCRR (T helper type 2 locus control region associated RNA; minus strand), RAD50 (RAD50 double strand break repair protein; plus strand). Cytogenetic location: 5q31.1.
Variant type: single nucleotide variant.
Coding change: c.3644T>C on transcript NM_005732.4 (MANE Select); coding-DNA position 3644, T replaced by C.
Protein change: p.Leu1215Pro; replaces leucine 1215 with proline.
Molecular consequence: missense variant.
Genome position (GRCh38, 1-based): chr5:132,640,697, T>C. VCF-style: chr5-132640697-T-C. GRCh37 (hg19) VCF-style: chr5-131976389-T-C.
Other names: short protein forms L1215P.
Identifiers: ClinVar variation 824024 (VCV000824024.6), dbSNP rs1581023680, ClinGen allele CA360933764.
Genomic context (GRCh38, chr5:132,640,697, plus strand): 5'-TGTGCTGGGCTTCTCACATAGGGGCTTTTTTCCAGGTATTAGCCTCACTCATCATTCGCC[T>C]GGCCCTGGCTGAAACGTTCTGCCTCAACTGTGGCATCATTGCCTTGGATGAGCCAACAAC-3'
Protein context (NP_005723.2, residues 1205-1225): QKVLASLIIR[Leu1215Pro]ALAETFCLNC